The following is an entry in ClinVar:

NM_015909.4(NBAS):c.200_208del (p.Ile67_Tyr69del)

Gene: NBAS (NBAS subunit of NRZ tethering complex; minus strand). Cytogenetic location: 2p24.3.
Variant type: Deletion.
Coding change: c.200_208del on transcript NM_015909.4 (MANE Select); coding-DNA positions 200 to 208, 9 bases deleted (TCTGGTACA; older notation c.200_208delTCTGGTACA).
Protein change: p.Ile67_Tyr69del.
Molecular consequence: inframe deletion. On other transcripts: non-coding transcript variant (1).
Genome position (GRCh38, 1-based): chr2:15,556,784-15,556,792, TGTACCAGA deleted on the plus strand (TCTGGTACA on the coding strand, the reverse complement: NBAS is on the minus strand); deleting any 9 consecutive bases within chr2:15,556,784-15,556,796 gives the same sequence; the c. name uses the placement nearest the transcript's 3' end. VCF-style (leftmost placement, unchanged base first): chr2-15556783-CTGTACCAGA-C. GRCh37 (hg19) VCF-style: chr2-15696907-CTGTACCAGA-C.
Identifiers: ClinVar variation 1369479 (VCV001369479.8), dbSNP rs1291896475, ClinGen allele CA759243004.

ClinVar aggregate classification (germline): Uncertain significance (1 of 4 stars; one submission).

Submission:

Labcorp Genetics (formerly Invitae), Labcorp
Classification: Uncertain significance. Last evaluated: 2021-02-03. Review status: criteria provided, single submitter. Criteria: Invitae Variant Classification Sherloc (09022015). Collection method: clinical testing. Allele origin: germline.
Comment: This variant, c.200_208del, results in the deletion of 3 amino acid(s) of the NBAS protein (p.Ile67_Tyr69del), but otherwise preserves the integrity of the reading frame. This variant is not present in population databases (ExAC no frequency). This variant has not been reported in the literature in individuals with NBAS-related conditions. Experimental studies and prediction algorithms are not available or were not evaluated, and the functional significance of this variant is currently unknown. In summary, the available evidence is currently insufficient to determine the role of this variant in disease. Therefore, it has been classified as a Variant of Uncertain Significance.